The following is an entry in ClinVar:

NM_205850.3(SLC24A5):c.404G>C (p.Gly135Ala)

Gene: SLC24A5 (solute carrier family 24 member 5; plus strand). Cytogenetic location: 15q21.1.
Variant type: single nucleotide variant.
Coding change: c.404G>C on transcript NM_205850.3 (MANE Select); coding-DNA position 404, G replaced by C.
Protein change: p.Gly135Ala; replaces glycine 135 with alanine.
Molecular consequence: missense variant.
Genome position (GRCh38, 1-based): chr15:48,134,453, G>C. VCF-style: chr15-48134453-G-C. GRCh37 (hg19) VCF-style: chr15-48426650-G-C.
Other names: short protein forms G135A.
Identifiers: ClinVar variation 1878925 (VCV001878925.1), dbSNP rs2038847006, ClinGen allele CA392450102.

ClinVar aggregate classification (germline): Uncertain significance (1 of 4 stars; one submission).

Allele frequency attached by ClinVar (database versions not stated): TOPMed 0.00001.

Submission:

GeneDx
Classification: Uncertain significance. Last evaluated: 2022-07-11. Review status: criteria provided, single submitter. Criteria: GeneDx Variant Classification Process June 2021. Collection method: clinical testing. Allele origin: germline. Affected: yes.
Comment: Not observed at significant frequency in large population cohorts (gnomAD); In silico analysis supports that this missense variant has a deleterious effect on protein structure/function; Has not been previously published as pathogenic or benign to our knowledge